The following is an entry in ClinVar:

NM_004991.4(MECOM):c.3703T>A (p.Ser1235Thr)

Gene: MECOM (MDS1 and EVI1 complex locus; minus strand). Cytogenetic location: 3q26.2.
Variant type: single nucleotide variant.
Coding change: c.3703T>A on transcript NM_004991.4 (MANE Select); coding-DNA position 3703, T replaced by A.
Protein change: p.Ser1235Thr; replaces serine 1235 with threonine.
Molecular consequence: missense variant.
Genome position (GRCh38, 1-based): chr3:169,084,926, A>T on the plus strand (T>A on the coding strand, the complement: MECOM is on the minus strand). VCF-style: chr3-169084926-A-T. GRCh37 (hg19) VCF-style: chr3-168802714-A-T.
Other names: c.3334T>A, p.Ser1112Thr (NM_001105077.4); c.3139T>A, p.Ser1047Thr (NM_001105078.4, NM_001205194.2, NM_001366469.2 and 1 more transcripts); c.3115T>A, p.Ser1039Thr (NM_001163999.2, NM_001366470.2); c.3112T>A, p.Ser1038Thr (NM_001164000.2, NM_001366471.2, NM_001366472.2); c.3676T>A, p.Ser1226Thr (NM_001366466.2); c.3142T>A, p.Ser1048Thr (NM_001366467.2, NM_001366468.2); c.2704T>A, p.Ser902Thr (NM_001366473.2); c.2140T>A, p.Ser714Thr (NM_001366474.2); short protein forms S1038T, S1048T, S1039T, S1047T, S1112T, S714T, S902T, S1226T.
Identifiers: ClinVar variation 3646215 (VCV003646215.2).

ClinVar aggregate classification (germline): Uncertain significance (1 of 4 stars; one submission).

Submission:

Labcorp Genetics (formerly Invitae), Labcorp
Classification: Uncertain significance. Last evaluated: 2024-03-16. Review status: criteria provided, single submitter. Criteria: Invitae Variant Classification Sherloc (09022015). Collection method: clinical testing. Allele origin: germline.
Comment: This sequence change replaces serine, which is neutral and polar, with threonine, which is neutral and polar, at codon 1047 of the MECOM protein (p.Ser1047Thr). This variant is not present in population databases (gnomAD no frequency). This variant has not been reported in the literature in individuals affected with MECOM-related conditions. Experimental studies and prediction algorithms are not available or were not evaluated, and the functional significance of this variant is currently unknown. In summary, the available evidence is currently insufficient to determine the role of this variant in disease. Therefore, it has been classified as a Variant of Uncertain Significance.